The following is an entry in ClinVar:

NM_002382.5(MAX):c.*65G>C

Gene: MAX (MYC associated transcriptional regulator X; minus strand). Cytogenetic location: 14q23.3.
Variant type: single nucleotide variant.
Coding change: c.*65G>C on transcript NM_002382.5 (MANE Select); 65 bases downstream of the stop codon, G replaced by C.
Molecular consequence: 3 prime UTR variant. On other transcripts: intron variant (2).
Genome position (GRCh38, 1-based): chr14:65,076,411, C>G on the plus strand (G>C on the coding strand, the complement: MAX is on the minus strand). VCF-style: chr14-65076411-C-G. GRCh37 (hg19) VCF-style: chr14-65543129-C-G.
Other names: c.*65G>C (NM_001320415.2, NM_001407094.1, NM_001407095.1 and 7 more transcripts); c.*321G>C (NM_001407096.1, NM_001407099.1, NM_001407102.1 and 2 more transcripts); c.*337G>C (NM_001407097.1, NM_001407100.1, NM_001407101.1 and 4 more transcripts); c.144+17297G>C (NM_001271069.2); c.171+17297G>C (NM_197957.4).
Identifiers: ClinVar variation 880744 (VCV000880744.5), dbSNP rs566299166, ClinGen allele CA7232769.
Genomic context (GRCh38, chr14:65,076,411, plus strand): 5'-AAAAAAAGGGAGAAAGAGAAAAATAAAGAGTCTCTTAAATGGTTCTGAGGGCTCTACCAA[C>G]GAACTGAAAGGAGGATGAGACGATGGAGACAGACAGTTTTTATTGCTGGCCTGCCCCGAG-3'

ClinVar aggregate classification (germline): Benign (1 of 4 stars; one submission).

Conditions:
Pheochromocytoma. Also called: MAX-Related Hereditary Paraganglioma-Pheochromocytoma Syndrome. Identifiers: Orphanet 29072, MedGen C0031511, MONDO:0008233, OMIM 171300, HP:0002666.

Allele frequency attached by ClinVar (database versions not stated): TOPMed 0.00061; 1000 Genomes Project 30x 0.00078; 1000 Genomes Project 0.00080.

Submission:

Illumina Laboratory Services, Illumina
Classification: Benign for Pheochromocytoma. Last evaluated: 2018-01-13. Review status: criteria provided, single submitter. Criteria: ICSL Variant Classification Criteria 13 December 2019. Collection method: clinical testing. Allele origin: germline.
Comment: This variant was observed in the ICSL laboratory as part of a predisposition screen in an ostensibly healthy population. It had not been previously curated by ICSL or reported in the Human Gene Mutation Database (HGMD: prior to June 1st, 2018), and was therefore a candidate for classification through an automated scoring system. Utilizing variant allele frequency, disease prevalence and penetrance estimates, and inheritance mode, an automated score was calculated to assess if this variant is too frequent to cause the disease. Based on the score and internal cut-off values, a variant classified as benign is not then subjected to further curation. The score for this variant resulted in a classification of benign for this disease.